The following is an entry in ClinVar:

ClinVar aggregate classification (germline): Uncertain significance (1 of 4 stars; one submission).

Conditions:
Familial intrahepatic cholestasis. Identifiers: Orphanet 284385, MedGen CN296401, MONDO:0017290.

gnomAD v4.1: 1 of 1,598,542 alleles (0.000063%); highest among the groups gnomAD compares: African/African-American, 0.0013%; no homozygotes.

Submission:

Genomenon, Inc
Classification: Uncertain significance for Familial intrahepatic cholestasis. Last evaluated: 2026-04-14. Review status: criteria provided, single submitter. Criteria: Genomenon Sequence Variant Interpretation Standards - Updated. Collection method: curation. Allele origin: germline. Affected: yes.
Comment: ABCB11 p.Ser1120Asn (c.3359G>A) is a missense variant that changes the amino acid at residue 1120 from Serine to Asparagine. This variant has been observed in at least one proband with an ABCB11-related disorder (PMID:28733223). It is absent or not present at a significant frequency in gnomAD. In silico models predict that this variant is possibly or probably damaging. In conclusion, we classify ABCB11 p.Ser1120Asn (c.3359G>A) as a variant of uncertain significance.

Literature cited by the submitters: PubMed 28733223.

NM_003742.4(ABCB11):c.3359G>A (p.Ser1120Asn)

Gene: ABCB11 (ATP binding cassette subfamily B member 11; minus strand). Cytogenetic location: 2q31.1.
Variant type: single nucleotide variant.
Coding change: c.3359G>A on transcript NM_003742.4 (MANE Select); coding-DNA position 3359, G replaced by A.
Protein change: p.Ser1120Asn; replaces serine 1120 with asparagine.
Molecular consequence: missense variant.
Genome position (GRCh38, 1-based): chr2:168,930,717, C>T on the plus strand (G>A on the coding strand, the complement: ABCB11 is on the minus strand). VCF-style: chr2-168930717-C-T. GRCh37 (hg19) VCF-style: chr2-169787227-C-T.
Other names: short protein forms S1120N.
Identifiers: ClinVar variation 4846168 (VCV004846168.1).